The following is an entry in ClinVar:

NM_177438.3(DICER1):c.2879T>G (p.Phe960Cys)

Gene: DICER1 (dicer 1, ribonuclease III; minus strand). Cytogenetic location: 14q32.13.
Variant type: single nucleotide variant.
Coding change: c.2879T>G on transcript NM_177438.3 (MANE Select); coding-DNA position 2879, T replaced by G.
Protein change: p.Phe960Cys; replaces phenylalanine 960 with cysteine.
Molecular consequence: missense variant. On other transcripts: non-coding transcript variant (6).
Genome position (GRCh38, 1-based): chr14:95,106,149, A>C on the plus strand (T>G on the coding strand, the complement: DICER1 is on the minus strand). VCF-style: chr14-95106149-A-C. GRCh37 (hg19) VCF-style: chr14-95572486-A-C.
Other names: c.2879T>G, p.Phe960Cys (NM_001195573.1, NM_001271282.3, NM_001291628.2 and 12 more transcripts); c.2597T>G, p.Phe866Cys (NM_001395686.1); c.2474T>G, p.Phe825Cys (NM_001395687.1, NM_001395688.1, NM_001395689.1 and 2 more transcripts); c.2312T>G, p.Phe771Cys (NM_001395691.1); c.1196T>G, p.Phe399Cys (NM_001395697.1); short protein forms F399C, F771C, F825C, F866C, F960C.
Identifiers: ClinVar variation 3375172 (VCV003375172.1).

ClinVar aggregate classification (germline): Uncertain significance (1 of 4 stars; one submission).

Submission:

Women's Health and Genetics/Laboratory Corporation of America, LabCorp
Classification: Uncertain significance. Last evaluated: 2024-09-26. Review status: criteria provided, single submitter. Criteria: LabCorp Variant Classification Summary - May 2015. Collection method: clinical testing. Allele origin: germline.
Comment: Variant summary: DICER1 c.2879T>G (p.Phe960Cys) results in a non-conservative amino acid change located in the PAZ (Piwi/Argonaute/Zwille) domain (IPR003100) of the encoded protein sequence. Four of five in-silico tools predict a damaging effect of the variant on protein function. The variant was absent in 251372 control chromosomes. The available data on variant occurrences in the general population are insufficient to allow any conclusion about variant significance. To our knowledge, no occurrence of c.2879T>G in individuals affected with GLOW Syndrome and no experimental evidence demonstrating its impact on protein function have been reported. No submitters have cited clinical-significance assessments for this variant to ClinVar. Based on the evidence outlined above, the variant was classified as uncertain significance.